The following is an entry in ClinVar:

ClinVar aggregate classification (germline): Uncertain significance (1 of 4 stars; one submission).

Submission:

Ambry Genetics
Classification: Uncertain significance. Last evaluated: 2023-07-12. Review status: criteria provided, single submitter. Criteria: Ambry Variant Classification Scheme 2023. Collection method: clinical testing. Allele origin: germline.
Comment: The p.L1163F variant (also known as c.3487C>T), located in coding exon 30 of the KIF1B gene, results from a C to T substitution at nucleotide position 3487. The leucine at codon 1163 is replaced by phenylalanine, an amino acid with highly similar properties. This amino acid position is conserved. In addition, this alteration is predicted to be tolerated by in silico analysis. Since supporting evidence is limited at this time, the clinical significance of this alteration remains unclear.

NM_001365951.3(KIF1B):c.3625C>T (p.Leu1209Phe)

Gene: KIF1B (kinesin family member 1B; plus strand). Cytogenetic location: 1p36.22.
Variant type: single nucleotide variant.
Coding change: c.3625C>T on transcript NM_001365951.3 (MANE Select); coding-DNA position 3625, C replaced by T.
Protein change: p.Leu1209Phe; replaces leucine 1209 with phenylalanine.
Molecular consequence: missense variant.
Genome position (GRCh38, 1-based): chr1:10,342,161, C>T. VCF-style: chr1-10342161-C-T. GRCh37 (hg19) VCF-style: chr1-10402219-C-T.
Other names: c.3625C>T, p.Leu1209Phe (NM_001365952.1); c.3487C>T, p.Leu1163Phe (NM_015074.3); short protein forms L1163F, L1209F.
Identifiers: ClinVar variation 2625707 (VCV002625707.2), dbSNP rs1320246121, ClinGen allele CA338341959.
Genomic context (GRCh38, chr1:10,342,161, plus strand): 5'-ATTGTATTTGAAGTCTTTGGGCATTATCAGCAGCACCCACTTCATCTGCAAGGACAGGAG[C>T]TTAACAGGTTTGGACCAGATAAGCAAACATTTTTGATGGTATTGTTTTGATTTTTAGTTT-3'
Protein context (NP_001352880.1, residues 1199-1219): QHPLHLQGQE[Leu1209Phe]NSPPQPCRRF